The following is an entry in ClinVar:

ClinVar aggregate classification (germline): Conflicting classifications of pathogenicity. Review status: criteria provided, conflicting classifications (1 of 4 stars). 3 submissions from 3 submitters: Uncertain significance (2); Likely benign (1). Last evaluated 2025-12-01.

Conditions:
Hereditary cancer-predisposing syndrome. Also called: Hereditary neoplastic syndrome; Neoplastic Syndromes, Hereditary; Tumor predisposition; Hereditary Cancer Syndrome. Identifiers: Orphanet 140162, MedGen C0027672, MeSH D009386, MONDO:0015356.
Fanconi anemia complementation group J. Also called: BRIP1-Related Fanconi Anemia. Identifiers: Orphanet 84, MedGen C1836860, MONDO:0012187, OMIM 609054.
Familial cancer of breast. Also called: BREAST CANCER, FAMILIAL; hereditary breast carcinoma; Hereditary breast cancer. Identifiers: Orphanet 227535, MedGen C0346153, MONDO:0016419, OMIM 114480. Disease mechanism: loss of function.

Allele frequency attached by ClinVar (database versions not stated): ExAC 0.00002; gnomAD exomes 0.00002.
gnomAD v4.1: 8 of 1,613,102 alleles (0.0005%); highest among the groups gnomAD compares: South Asian, 0.0088%; no homozygotes.

Submissions (3):

Ambry Genetics
Classification: Likely benign for Hereditary cancer-predisposing syndrome. Last evaluated: 2025-12-01. Review status: criteria provided, single submitter. Criteria: Ambry Variant Classification Scheme 2023. Collection method: clinical testing. Allele origin: germline.

Color Diagnostics, LLC DBA Color Health
Classification: Uncertain significance for Hereditary cancer-predisposing syndrome. Last evaluated: 2024-11-04. Review status: criteria provided, single submitter. Criteria: ACMG Guidelines, 2015. Collection method: clinical testing. Allele origin: germline.
Comment: This missense variant replaces threonine with serine at codon 133 of the BRIP1 protein. Computational prediction suggests that this variant may not impact protein structure and function (internally defined REVEL score threshold <= 0.5, PMID: 27666373). To our knowledge, functional studies have not been reported for this variant. This variant has not been reported in individuals affected with BRIP1-related disorders in the literature. This variant has been identified in 4/251074 chromosomes in the general population by the Genome Aggregation Database (gnomAD). The available evidence is insufficient to determine the role of this variant in disease conclusively. Therefore, this variant is classified as a Variant of Uncertain Significance.

Labcorp Genetics (formerly Invitae), Labcorp
Classification: Uncertain significance for Familial cancer of breast; Fanconi anemia complementation group J. Last evaluated: 2024-09-25. Review status: criteria provided, single submitter. Criteria: Invitae Variant Classification Sherloc (09022015). Collection method: clinical testing. Allele origin: germline.
Comment: This sequence change replaces threonine, which is neutral and polar, with serine, which is neutral and polar, at codon 133 of the BRIP1 protein (p.Thr133Ser). This variant is present in population databases (rs764256720, gnomAD 0.01%). This variant has not been reported in the literature in individuals affected with BRIP1-related conditions. ClinVar contains an entry for this variant (Variation ID: 461169). Invitae Evidence Modeling of protein sequence and biophysical properties (such as structural, functional, and spatial information, amino acid conservation, physicochemical variation, residue mobility, and thermodynamic stability) indicates that this missense variant is not expected to disrupt BRIP1 protein function with a negative predictive value of 80%. In summary, the available evidence is currently insufficient to determine the role of this variant in disease. Therefore, it has been classified as a Variant of Uncertain Significance.

NM_032043.3(BRIP1):c.397A>T (p.Thr133Ser)

Gene: BRIP1 (BRCA1 interacting DNA helicase 1; minus strand). Cytogenetic location: 17q23.2.
Variant type: single nucleotide variant.
Coding change: c.397A>T on transcript NM_032043.3 (MANE Select); coding-DNA position 397, A replaced by T.
Protein change: p.Thr133Ser; replaces threonine 133 with serine.
Molecular consequence: missense variant.
Genome position (GRCh38, 1-based): chr17:61,849,239, T>A on the plus strand (A>T on the coding strand, the complement: BRIP1 is on the minus strand). VCF-style: chr17-61849239-T-A. GRCh37 (hg19) VCF-style: chr17-59926600-T-A.
Other names: short protein forms T133S.
Identifiers: ClinVar variation 461169 (VCV000461169.16), dbSNP rs764256720, ClinGen allele CA8690935.
Genomic context (GRCh38, chr17:61,849,239, plus strand): 5'-CATCATTTTCATCTCTGTATATGGATGCCTGTTTCTTAGCAGATAACTTTGCAGCCAGAG[T>A]GGTTTTTTCAGGGGAGTCTTATATAAGTAATTTAAAAAAAACAGCATAAATAACTTACAG-3'
Protein context (NP_114432.2, residues 123-143): STCQDSPEKT[Thr133Ser]LAAKLSAKKQ